The following is an entry in ClinVar:

ClinVar aggregate classification (germline): Uncertain significance (1 of 4 stars; one submission).

Conditions:
Inborn genetic diseases. Identifiers: MedGen C0950123, MeSH D030342.

Submission:

Ambry Genetics
Classification: Uncertain significance for Inborn genetic diseases. Last evaluated: 2025-08-15. Review status: criteria provided, single submitter. Criteria: Ambry Variant Classification Scheme 2023. Collection method: clinical testing. Allele origin: germline.
Comment: The p.R983L variant (also known as c.2948G>T), located in coding exon 13 of the BMPR2 gene, results from a G to T substitution at nucleotide position 2948. The arginine at codon 983 is replaced by leucine, an amino acid with dissimilar properties. This amino acid position is conserved. In addition, the in silico prediction for this alteration is inconclusive. Based on the available evidence, the clinical significance of this variant remains unclear.

NM_001204.7(BMPR2):c.2948G>T (p.Arg983Leu)

Gene: BMPR2 (bone morphogenetic protein receptor type 2; plus strand). Cytogenetic location: 2q33.2.
Variant type: single nucleotide variant.
Coding change: c.2948G>T on transcript NM_001204.7 (MANE Select); coding-DNA position 2948, G replaced by T.
Protein change: p.Arg983Leu; replaces arginine 983 with leucine.
Molecular consequence: missense variant.
Genome position (GRCh38, 1-based): chr2:202,559,777, G>T. VCF-style: chr2-202559777-G-T. GRCh37 (hg19) VCF-style: chr2-203424500-G-T.
Other names: short protein forms R983L.
Identifiers: ClinVar variation 4214507 (VCV004214507.1).